The following is an entry in ClinVar:

ClinVar aggregate classification (germline): Pathogenic/Likely pathogenic. Review status: criteria provided, multiple submitters, no conflicts (2 of 4 stars). 2 submissions from 2 submitters: Pathogenic (1); Likely pathogenic (1). Last evaluated 2025-11-04.

Conditions:
Neurofibromatosis, type 1 (NF1). Also called: VON RECKLINGHAUSEN DISEASE; NEUROFIBROMATOSIS, TYPE I, SOMATIC; Peripheral type neurofibromatosis; Neurofibromatosis, type I. Identifiers: Orphanet 636, MedGen C0027831, MONDO:0018975, OMIM 162200. Disease mechanism: loss of function.
Cardiovascular phenotype. Identifiers: MedGen CN230736.
Hereditary cancer-predisposing syndrome. Also called: Neoplastic Syndromes, Hereditary; Tumor predisposition; Hereditary neoplastic syndrome; Hereditary Cancer Syndrome. Identifiers: Orphanet 140162, MedGen C0027672, MeSH D009386, MONDO:0015356.

Submissions (2):

Ambry Genetics
Classification: Pathogenic for Cardiovascular phenotype; Hereditary cancer-predisposing syndrome. Last evaluated: 2025-11-04. Review status: criteria provided, single submitter. Criteria: Ambry Variant Classification Scheme 2023. Collection method: clinical testing. Allele origin: germline.
Comment: The p.K1299* variant (also known as c.3895A>T), located in coding exon 29 of the NF1 gene, results from an A to T substitution at nucleotide position 3895. This changes the amino acid from a lysine to a stop codon within coding exon 29. This variant was reported in individual(s) with features consistent with Neurofibromatosis type 1 (Ambry internal data). This variant is considered to be rare based on population cohorts in the Genome Aggregation Database (gnomAD). This alteration is expected to result in loss of function by premature protein truncation or nonsense-mediated mRNA decay. As such, this alteration is interpreted as a disease-causing mutation.

Laboratorio de Biologia Molecular/Medicina Genomica - IFF/Fiocruz, Instituto Fernandes Figueira, Fundacao Oswaldo Cruz
Classification: Likely pathogenic for Neurofibromatosis, type 1. Last evaluated: 2025-09-02. Review status: criteria provided, single submitter. Criteria: ACMG Guidelines, 2015. Collection method: clinical testing. Allele origin: germline. Affected: yes. Observed: 1 variant allele.
Comment: Variant: c.3895A>T (p.Lys1299Ter) in exon 29 of the NF1 gene. Protein effect: Nonsense variant predicted to undergo NMD in a gene where LoF is a known mechanism of disease. Population database (gnomAD): Absent. ACMG/AMP criteria applied: PVS1, PM2_Supporting.

NM_001042492.3(NF1):c.3895A>T (p.Lys1299Ter)

Gene: NF1 (neurofibromin 1; plus strand). Cytogenetic location: 17q11.2.
Variant type: single nucleotide variant.
Coding change: c.3895A>T on transcript NM_001042492.3 (MANE Select); coding-DNA position 3895, A replaced by T.
Protein change: p.Lys1299Ter; replaces lysine 1299 with a stop codon.
Molecular consequence: nonsense.
Genome position (GRCh38, 1-based): chr17:31,235,942, A>T. VCF-style: chr17-31235942-A-T. GRCh37 (hg19) VCF-style: chr17-29562960-A-T.
Other names: c.3895A>T, p.Lys1299Ter (NM_000267.4); short protein forms K1299*.
Identifiers: ClinVar variation 4615779 (VCV004615779.2).